The following is an entry in ClinVar:

ClinVar aggregate classification (germline): Likely benign. Review status: criteria provided, multiple submitters, no conflicts (2 of 4 stars). 3 submissions from 3 submitters: Likely benign (3). Last evaluated 2025-12-08.

Conditions:
Spondylodysplastic Ehlers-Danlos syndrome. Identifiers: Orphanet 536471, Orphanet 75496, MedGen C5680154, MONDO:0007526.

gnomAD v4.1: 2 of 1,610,864 alleles (0.00012%); highest among the groups gnomAD compares: East Asian, 0.0022%; no homozygotes.

Submissions (3):

Women's Health and Genetics/Laboratory Corporation of America, LabCorp
Classification: Likely benign. Last evaluated: 2025-12-08. Review status: criteria provided, single submitter. Criteria: LabCorp Variant Classification Summary - May 2015. Collection method: clinical testing. Allele origin: germline.

Labcorp Genetics (formerly Invitae), Labcorp
Classification: Likely benign for Spondylodysplastic Ehlers-Danlos syndrome. Last evaluated: 2025-09-10. Review status: criteria provided, single submitter. Criteria: Invitae Variant Classification Sherloc (09022015). Collection method: clinical testing. Allele origin: germline.

CeGaT Center for Human Genetics Tuebingen
Classification: Likely benign. Last evaluated: 2025-01-01. Review status: criteria provided, single submitter. Criteria: CeGaT Center For Human Genetics Tuebingen Variant Classification Criteria Version 2. Collection method: clinical testing. Allele origin: germline. Affected: yes. Observed: 1 variant allele.
Comment: B4GALT7: BP4, BP7

NM_007255.3(B4GALT7):c.195G>A (p.Gly65=)

Gene: B4GALT7 (beta-1,4-galactosyltransferase 7; plus strand). Cytogenetic location: 5q35.3.
Variant type: single nucleotide variant.
Coding change: c.195G>A on transcript NM_007255.3 (MANE Select); coding-DNA position 195, G replaced by A.
Protein change: p.Gly65=; no amino-acid change (glycine 65 retained).
Molecular consequence: synonymous variant.
Genome position (GRCh38, 1-based): chr5:177,604,323, G>A. VCF-style: chr5-177604323-G-A. GRCh37 (hg19) VCF-style: chr5-177031324-G-A.
Identifiers: ClinVar variation 3675968 (VCV003675968.16).